The following is an entry in ClinVar:

NM_001845.6(COL4A1):c.1177A>T (p.Lys393Ter)

Gene: COL4A1 (collagen type IV alpha 1 chain; minus strand). Cytogenetic location: 13q34.
Variant type: single nucleotide variant.
Coding change: c.1177A>T on transcript NM_001845.6 (MANE Select); coding-DNA position 1177, A replaced by T.
Protein change: p.Lys393Ter; replaces lysine 393 with a stop codon.
Molecular consequence: nonsense.
Genome position (GRCh38, 1-based): chr13:110,198,575, T>A on the plus strand (A>T on the coding strand, the complement: COL4A1 is on the minus strand). VCF-style: chr13-110198575-T-A. GRCh37 (hg19) VCF-style: chr13-110850922-T-A.
Other names: c.1177A>T, p.Lys393Ter (NM_001303110.2); short protein forms K393*.
Identifiers: ClinVar variation 4702153 (VCV004702153.1).

ClinVar aggregate classification (germline): Pathogenic (1 of 4 stars; one submission).

Submission:

Labcorp Genetics (formerly Invitae), Labcorp
Classification: Pathogenic. Last evaluated: 2025-06-24. Review status: criteria provided, single submitter. Criteria: Invitae Variant Classification Sherloc (09022015). Collection method: clinical testing. Allele origin: germline.
Comment: This sequence change creates a premature translational stop signal (p.Lys393*) in the COL4A1 gene. It is expected to result in an absent or disrupted protein product. Loss-of-function variants in COL4A1 are known to be pathogenic (PMID: 23225343). This variant is not present in population databases (gnomAD no frequency). This variant has not been reported in the literature in individuals affected with COL4A1-related conditions. For these reasons, this variant has been classified as Pathogenic.

Literature cited by the submitters: PubMed 23225343.